The following is an entry in ClinVar:

ClinVar aggregate classification (germline): Uncertain significance. Review status: criteria provided, multiple submitters, no conflicts (2 of 4 stars). 2 submissions from 2 submitters: Uncertain significance (2). Last evaluated 2025-03-22.

Allele frequency attached by ClinVar (database versions not stated): ExAC 0.00003; gnomAD 0.00005; TOPMed 0.00005; gnomAD exomes 0.00008.

Submissions (2):

Ambry Genetics
Classification: Uncertain significance. Last evaluated: 2025-03-22. Review status: criteria provided, single submitter. Criteria: Ambry Variant Classification Scheme 2023. Collection method: clinical testing. Allele origin: germline.

Labcorp Genetics (formerly Invitae), Labcorp
Classification: Uncertain significance. Last evaluated: 2022-10-09. Review status: criteria provided, single submitter. Criteria: Invitae Variant Classification Sherloc (09022015). Collection method: clinical testing. Allele origin: germline.
Comment: In summary, the available evidence is currently insufficient to determine the role of this variant in disease. Therefore, it has been classified as a Variant of Uncertain Significance. Algorithms developed to predict the effect of missense changes on protein structure and function are either unavailable or do not agree on the potential impact of this missense change (SIFT: "Deleterious"; PolyPhen-2: "Possibly Damaging"; Align-GVGD: "Class C0"). This variant has not been reported in the literature in individuals affected with AGAP1-related conditions. This variant is present in population databases (rs141449009, gnomAD 0.009%). This sequence change replaces histidine, which is basic and polar, with tyrosine, which is neutral and polar, at codon 157 of the AGAP1 protein (p.His157Tyr).

NM_001037131.3(AGAP1):c.469C>T (p.His157Tyr)

Gene: AGAP1 (ArfGAP with GTPase domain, ankyrin repeat and PH domain 1; plus strand). Cytogenetic location: 2q37.2.
Variant type: single nucleotide variant.
Coding change: c.469C>T on transcript NM_001037131.3 (MANE Select); coding-DNA position 469, C replaced by T.
Protein change: p.His157Tyr; replaces histidine 157 with tyrosine.
Molecular consequence: missense variant.
Genome position (GRCh38, 1-based): chr2:235,744,770, C>T. VCF-style: chr2-235744770-C-T. GRCh37 (hg19) VCF-style: chr2-236653414-C-T.
Other names: c.469C>T (NM_001037131.2); c.469C>T, p.His157Tyr (NM_001244888.2, NM_001412122.1, NM_014914.5); short protein forms H157Y.
Identifiers: ClinVar variation 2419497 (VCV002419497.7), dbSNP rs141449009, ClinGen allele CA2184392.
Genomic context (GRCh38, chr2:235,744,770, plus strand): 5'-GTGGACGCTGTTATATTTGTCTTCAGCTTGGAGGATGAAATAAGTTTCCAGACCGTTTAC[C>T]ACTACTACAGTCGAATGGCCAACTATCGGAACACGAGCGAGATTCCTCTGGTTCTGGTGG-3'
Protein context (NP_001032208.1, residues 147-167): EDEISFQTVY[His157Tyr]YYSRMANYRN